The following is an entry in ClinVar:

NM_003072.5(SMARCA4):c.3838G>A (p.Gly1280Ser)

Gene: SMARCA4 (SWI/SNF related BAF chromatin remodeling complex subunit ATPase 4; plus strand). Cytogenetic location: 19p13.2.
Variant type: single nucleotide variant.
Coding change: c.3838G>A on transcript NM_003072.5 (MANE Select); coding-DNA position 3838, G replaced by A.
Protein change: p.Gly1280Ser; replaces glycine 1280 with serine.
Molecular consequence: missense variant. On other transcripts: intron variant (5).
Genome position (GRCh38, 1-based): chr19:11,033,830, G>A. VCF-style: chr19-11033830-G-A. GRCh37 (hg19) VCF-style: chr19-11144506-G-A.
Other names: c.3838G>A, p.Gly1280Ser (NM_001128844.3, NM_001128849.3); c.3775-293G>A (NM_001128847.4, NM_001374457.1, NM_001128845.2 and 2 more transcripts); short protein forms G1280S.
Identifiers: ClinVar variation 961089 (VCV000961089.12), dbSNP rs2075091931, ClinGen allele CA404066693.
Genomic context (GRCh38, chr19:11,033,830, plus strand): 5'-AGACACTGCAGCACGGGCAGCGGCAGTGCCAGCTTCGCCCACACTGCCCCTCCGCCAGCG[G>A]GCGTCAACCCCGACTTGGAGGAGCCACCTCTAAAGGTGAGAGGGGTAGTTCAGTCTCCAT-3'
Protein context (NP_003063.2, residues 1270-1290): SFAHTAPPPA[Gly1280Ser]VNPDLEEPPL

ClinVar aggregate classification (germline): Uncertain significance. Review status: criteria provided, multiple submitters, no conflicts (2 of 4 stars). 2 submissions from 2 submitters: Uncertain significance (2). Last evaluated 2023-12-22.

Conditions:
Hereditary cancer-predisposing syndrome. Also called: Tumor predisposition; Hereditary neoplastic syndrome; Neoplastic Syndromes, Hereditary; Hereditary Cancer Syndrome. Identifiers: Orphanet 140162, MedGen C0027672, MeSH D009386, MONDO:0015356.
Rhabdoid tumor predisposition syndrome 2 (RTPS2). Identifiers: Orphanet 231108, Orphanet 69077, MedGen C2750074, MONDO:0013224, OMIM 613325.

Submissions (2):

Labcorp Genetics (formerly Invitae), Labcorp
Classification: Uncertain significance for Rhabdoid tumor predisposition syndrome 2. Last evaluated: 2023-12-22. Review status: criteria provided, single submitter. Criteria: Invitae Variant Classification Sherloc (09022015). Collection method: clinical testing. Allele origin: germline.
Comment: This sequence change replaces glycine, which is neutral and non-polar, with serine, which is neutral and polar, at codon 1280 of the SMARCA4 protein (p.Gly1280Ser). This variant is not present in population databases (gnomAD no frequency). This variant has not been reported in the literature in individuals affected with SMARCA4-related conditions. ClinVar contains an entry for this variant (Variation ID: 961089). Advanced modeling of protein sequence and biophysical properties (such as structural, functional, and spatial information, amino acid conservation, physicochemical variation, residue mobility, and thermodynamic stability) has been performed at Invitae for this missense variant, however the output from this modeling did not meet the statistical confidence thresholds required to predict the impact of this variant on SMARCA4 protein function. In summary, the available evidence is currently insufficient to determine the role of this variant in disease. Therefore, it has been classified as a Variant of Uncertain Significance.

Ambry Genetics
Classification: Uncertain significance for Hereditary cancer-predisposing syndrome. Last evaluated: 2015-10-07. Review status: criteria provided, single submitter. Criteria: Ambry Variant Classification Scheme 2023. Collection method: clinical testing. Allele origin: germline.
Comment: The p.G1280S variant (also known as c.3838G>A), located in coding exon 26 of the SMARCA4 gene, results from a G to A substitution at nucleotide position 3838. The glycine at codon 1280 is replaced by serine, an amino acid with similar properties. This variant was not reported in population based cohorts in the following databases: Database of Single Nucleotide Polymorphisms (dbSNP), NHLBI Exome Sequencing Project (ESP), and 1000 Genomes Project. In the ESP, this variant was not observed in 6495 samples (12990 alleles) with coverage at this position. This amino acid position is well conserved in available vertebrate species. In addition, this alteration is predicted to be tolerated by in silico analysis. Since supporting evidence is limited at this time, the clinical significance of p.G1280S remains unclear.